The following is an entry in ClinVar:

ClinVar aggregate classification (germline): Conflicting classifications of pathogenicity. Review status: criteria provided, conflicting classifications (1 of 4 stars). 3 submissions from 3 submitters: Uncertain significance (2); Likely benign (1). Last evaluated 2024-10-22.

Conditions:
Neuropathy, hereditary sensory, type 2C. Also called: KIF1A-Related HSAN2 (HSAN2C); Hereditary sensory and autonomic neuropathy type IIC. Identifiers: Orphanet 970, MedGen C3280168, MONDO:0013634, OMIM 614213.
Intellectual disability, autosomal dominant 9 (NESCAVS). Also called: NESCAV SYNDROME; KIF1A-Related Neurodevelopmental Disorder. Identifiers: Orphanet 662367, MedGen C5393830, MONDO:0013656, OMIM 614255.
Hereditary spastic paraplegia 30. Identifiers: Orphanet 101010, MedGen C5235139, MONDO:0012476.

Allele frequency attached by ClinVar (database versions not stated): gnomAD exomes 0.00002; ExAC 0.00003; TOPMed 0.00003; gnomAD 0.00005; 1000 Genomes Project 30x 0.00016; 1000 Genomes Project 0.00020.
gnomAD v4.1: 35 of 1,613,220 alleles (0.0022%); highest among the groups gnomAD compares: African/African-American, 0.0053%; no homozygotes.

Submissions (3):

Labcorp Genetics (formerly Invitae), Labcorp
Classification: Likely benign for Hereditary spastic paraplegia 30; Neuropathy, hereditary sensory, type 2C; Intellectual disability, autosomal dominant 9. Last evaluated: 2024-10-22. Review status: criteria provided, single submitter. Criteria: Invitae Variant Classification Sherloc (09022015). Collection method: clinical testing. Allele origin: germline.

GeneDx
Classification: Uncertain significance. Last evaluated: 2019-11-21. Review status: criteria provided, single submitter. Criteria: GeneDx Variant Classification Process June 2021. Collection method: clinical testing. Allele origin: germline. Affected: yes.
Comment: In silico analysis, which includes protein predictors and evolutionary conservation, supports that this variant does not alter protein structure/function; Has not been previously published as pathogenic or benign to our knowledge

Revvity Omics, Revvity
Classification: Uncertain significance. Last evaluated: 2019-08-08. Review status: criteria provided, single submitter. Criteria: ACMG Guidelines, 2015. Collection method: clinical testing. Allele origin: germline.

NM_001244008.2(KIF1A):c.1276G>A (p.Val426Met)

Gene: KIF1A (kinesin family member 1A; minus strand). Cytogenetic location: 2q37.3.
Variant type: single nucleotide variant.
Coding change: c.1276G>A on transcript NM_001244008.2 (MANE Select); coding-DNA position 1276, G replaced by A.
Protein change: p.Val426Met; replaces valine 426 with methionine.
Molecular consequence: missense variant.
Genome position (GRCh38, 1-based): chr2:240,771,036, C>T on the plus strand (G>A on the coding strand, the complement: KIF1A is on the minus strand). VCF-style: chr2-240771036-C-T. GRCh37 (hg19) VCF-style: chr2-241710453-C-T.
Other names: c.1276G>A, p.Val426Met (NM_001320705.2, NM_001330289.2, NM_001379638.1); c.1351G>A, p.Val451Met (NM_001330290.2, NM_001379631.1, NM_001379634.1 and 2 more transcripts); c.1249G>A, p.Val417Met (NM_001379632.1, NM_001379633.1, NM_001379636.1 and 10 more transcripts); c.1324G>A, p.Val442Met (NM_001379637.1, NM_001379648.1); short protein forms V417M, V426M, V451M, V442M.
Identifiers: ClinVar variation 566657 (VCV000566657.11), dbSNP rs531522772, ClinGen allele CA2208459.